The following is an entry in ClinVar:

NM_001039958.2(MESP2):c.712dup (p.Arg238fs)

Gene: MESP2 (mesoderm posterior bHLH transcription factor 2; plus strand). Cytogenetic location: 15q26.1.
Variant type: Duplication.
Coding change: c.712dup on transcript NM_001039958.2 (MANE Select); coding-DNA position 712, one base duplicated (A; older notation c.712dupA).
Protein change: p.Arg238fs; shifts the reading frame from arginine 238.
Molecular consequence: frameshift variant.
Genome position (GRCh38, 1-based): chr15:89,777,069, A duplicated. VCF-style (leftmost placement, unchanged base first): chr15-89777068-G-GA. GRCh37 (hg19) VCF-style: chr15-90320299-G-GA.
Other names: short protein forms R238fs.
Identifiers: ClinVar variation 5004751 (VCV005004751.1).

ClinVar aggregate classification (germline): Pathogenic (1 of 4 stars; one submission).

Conditions:
Spondylocostal dysostosis 2, autosomal recessive (SCDO2). Also called: MESP2-Related Spondylocostal Dysostosis, Autosomal Recessive; Spondylocostal dysostosis type 2. Identifiers: Orphanet 2311, MedGen C1837549, MONDO:0012097, OMIM 608681.

Submission:

Myriad Genetics, Inc.
Classification: Pathogenic for Spondylocostal dysostosis 2, autosomal recessive. Last evaluated: 2026-06-24. Review status: criteria provided, single submitter. Criteria: Myriad Autosomal Dominant, Autosomal Recessive and X-Linked Classification Criteria (2023). Collection method: clinical testing. Allele origin: unknown.
Comment: NM_001039958.1(MESP2):c.712dupA(R238Kfs*129) is a frameshift variant classified as pathogenic in the context of spondylothoracic dysostosis. R238Kfs*129 has not been observed in cases with relevant disease. Relevant functional assessments of this variant are not available in the literature. R238Kfs*129 has not been observed in referenced population frequency databases. In summary, NM_001039958.1(MESP2):c.712dupA(R238Kfs*129) is a frameshift variant in a gene where loss of function is a known mechanism of disease and is predicted to disrupt protein function. Please note: this variant was assessed in the context of healthy population screening.